The following is an entry in ClinVar:

NM_000383.4(AIRE):c.1235C>T (p.Ser412Leu)

Gene: AIRE (autoimmune regulator; plus strand). Cytogenetic location: 21q22.3.
Variant type: single nucleotide variant.
Coding change: c.1235C>T on transcript NM_000383.4 (MANE Select); coding-DNA position 1235, C replaced by T.
Protein change: p.Ser412Leu; replaces serine 412 with leucine.
Molecular consequence: missense variant.
Genome position (GRCh38, 1-based): chr21:44,293,132, C>T. VCF-style: chr21-44293132-C-T. GRCh37 (hg19) VCF-style: chr21-45713015-C-T.
Other names: short protein forms S412L.
Identifiers: ClinVar variation 1028224 (VCV001028224.10), dbSNP rs368331265, ClinGen allele CA10051999.

ClinVar aggregate classification (germline): Uncertain significance. Review status: criteria provided, multiple submitters, no conflicts (2 of 4 stars). 5 submissions from 5 submitters: Uncertain significance (5). Last evaluated 2025-09-11.

Conditions:
Polyglandular autoimmune syndrome, type 1 (APS1). Also called: Autoimmune polyendocrine syndrome type 1; Autoimmune polyendocrinopathy syndrome, type I; AUTOIMMUNE POLYENDOCRINE SYNDROME, TYPE I, WITH OR WITHOUT REVERSIBLE METAPHYSEAL DYSPLASIA; Autoimmune polyendocrinopathy syndrome , type I, with or without reversible metaphyseal dysplasia; HYPOADRENOCORTICISM WITH HYPOPARATHYROIDISM AND SUPERFICIAL MONILIASIS; PGA I. Identifiers: Orphanet 3453, MedGen C0085859, MONDO:0009411, OMIM 240300.

Allele frequency attached by ClinVar (database versions not stated): TOPMed 0.00005; gnomAD exomes 0.00006 and 0.00011; ESP Exome Variant Server 0.00008; gnomAD 0.00010 and 0.00011; ExAC 0.00017.
gnomAD v4.1: 106 of 1,589,818 alleles (0.0067%); highest among the groups gnomAD compares: South Asian, 0.025%; no homozygotes.

Submissions (5):

Labcorp Genetics (formerly Invitae), Labcorp
Classification: Uncertain significance for Polyglandular autoimmune syndrome, type 1. Last evaluated: 2025-09-11. Review status: criteria provided, single submitter. Criteria: Invitae Variant Classification Sherloc (09022015). Collection method: clinical testing. Allele origin: germline.
Comment: This sequence change replaces serine, which is neutral and polar, with leucine, which is neutral and non-polar, at codon 412 of the AIRE protein (p.Ser412Leu). This variant is present in population databases (rs368331265, gnomAD 0.03%). This variant has not been reported in the literature in individuals affected with AIRE-related conditions. ClinVar contains an entry for this variant (Variation ID: 1028224). Invitae Evidence Modeling of protein sequence and biophysical properties (such as structural, functional, and spatial information, amino acid conservation, physicochemical variation, residue mobility, and thermodynamic stability) indicates that this missense variant is not expected to disrupt AIRE protein function with a negative predictive value of 95%. In summary, the available evidence is currently insufficient to determine the role of this variant in disease. Therefore, it has been classified as a Variant of Uncertain Significance.

Blueprint Genetics
Classification: Uncertain significance. Last evaluated: 2024-10-02. Review status: criteria provided, single submitter. Criteria: ACMG Guidelines, 2015. Collection method: clinical testing. Allele origin: germline.

Department of Pathology and Laboratory Medicine, Sinai Health System
Classification: Uncertain significance for Polyglandular autoimmune syndrome, type 1. Last evaluated: 2023-01-04. Review status: criteria provided, single submitter. Criteria: ACMG Guidelines, 2015. Collection method: research. Allele origin: germline.

Baylor Genetics
Classification: Uncertain significance for Polyglandular autoimmune syndrome, type 1. Last evaluated: 2019-04-05. Review status: criteria provided, single submitter. Criteria: ACMG Guidelines, 2015. Collection method: clinical testing. Allele origin: unknown. Affected: yes.
Comment: This variant was determined to be of uncertain significance according to ACMG Guidelines, 2015 [PMID:25741868].

Neuberg Centre For Genomic Medicine, NCGM
Classification: Uncertain significance for Polyglandular autoimmune syndrome, type 1. Review status: criteria provided, single submitter. Criteria: ACMG Guidelines, 2015. Collection method: clinical testing. Allele origin: germline. Inheritance: Autosomal dominant inheritance. Affected: yes.
Comment: The missense variant p.S412L in AIRE (NM_000383.3) has not been reported previously as a pathogenic variant nor as a benign variant, to our knowledge. There is a large physicochemical difference between serine and leucine, which is likely to impact secondary protein structure as these residues differ in polarity, charge, size and/or other properties. In silico tools predict the variant to be damaging and the residue is poorly conserved across species. For these reasons, this variant has been classified as Uncertain Significance.

Literature cited by the submitters: PubMed 11600535 (cited by Neuberg Centre For Genomic Medicine, NCGM).